The following is an entry in ClinVar:

NM_001352754.2(ARMC9):c.2401G>A (p.Gly801Ser)

Gene: ARMC9 (armadillo repeat containing 9; plus strand). Cytogenetic location: 2q37.1.
Variant type: single nucleotide variant.
Coding change: c.2401G>A on transcript NM_001352754.2 (MANE Select); coding-DNA position 2401, G replaced by A.
Protein change: p.Gly801Ser; replaces glycine 801 with serine.
Molecular consequence: missense variant.
Genome position (GRCh38, 1-based): chr2:231,370,092, G>A. VCF-style: chr2-231370092-G-A. GRCh37 (hg19) VCF-style: chr2-232234803-G-A.
Other names: c.2401G>A, p.Gly801Ser (NM_001271466.4); short protein forms G801S.
Identifiers: ClinVar variation 852008 (VCV000852008.9), dbSNP rs561083979, ClinGen allele CA2160609.

ClinVar aggregate classification (germline): Conflicting classifications of pathogenicity. Review status: criteria provided, conflicting classifications (1 of 4 stars). 3 submissions from 3 submitters: Uncertain significance (2); Likely benign (1). Last evaluated 2025-06-11.

Allele frequency attached by ClinVar (database versions not stated): ExAC below 0.00001; gnomAD exomes 0.00004; gnomAD 0.00022 and 0.00023; TOPMed 0.00026; 1000 Genomes Project 30x 0.00031; 1000 Genomes Project 0.00060.
gnomAD v4.1: 93 of 1,534,182 alleles (0.0061%); highest among the groups gnomAD compares: African/African-American, 0.064%; no homozygotes.

Submissions (3):

GeneDx
Classification: Uncertain significance. Last evaluated: 2025-06-11. Review status: criteria provided, single submitter. Criteria: GeneDx Variant Classification Process June 2021. Collection method: clinical testing. Allele origin: germline. Affected: yes.
Comment: Has not been previously published as pathogenic or benign to our knowledge; Reported using an alternate transcript of the gene; In silico analysis does not support a benign or deleterious effect of this variant on protein structure/function

Labcorp Genetics (formerly Invitae), Labcorp
Classification: Uncertain significance. Last evaluated: 2024-12-09. Review status: criteria provided, single submitter. Criteria: Invitae Variant Classification Sherloc (09022015). Collection method: clinical testing. Allele origin: germline.
Comment: This sequence change replaces glycine, which is neutral and non-polar, with serine, which is neutral and polar, at codon 801 of the ARMC9 protein (p.Gly801Ser). This variant is present in population databases (rs561083979, gnomAD 0.09%). This variant has not been reported in the literature in individuals affected with ARMC9-related conditions. ClinVar contains an entry for this variant (Variation ID: 852008). Experimental studies and prediction algorithms are not available or were not evaluated, and the functional significance of this variant is currently unknown. In summary, the available evidence is currently insufficient to determine the role of this variant in disease. Therefore, it has been classified as a Variant of Uncertain Significance.

Blueprint Genetics
Classification: Likely benign. Last evaluated: 2022-10-26. Review status: criteria provided, single submitter. Criteria: ACMG Guidelines, 2015. Collection method: clinical testing. Allele origin: germline.